The following is an entry in ClinVar:

NM_000153.4(GALC):c.1243G>A (p.Gly415Arg)

Gene: GALC (galactosylceramidase; minus strand). Cytogenetic location: 14q31.3.
Variant type: single nucleotide variant.
Coding change: c.1243G>A on transcript NM_000153.4 (MANE Select); coding-DNA position 1243, G replaced by A.
Protein change: p.Gly415Arg; replaces glycine 415 with arginine.
Molecular consequence: missense variant. On other transcripts: non-coding transcript variant (1).
Genome position (GRCh38, 1-based): chr14:87,950,667, C>T on the plus strand (G>A on the coding strand, the complement: GALC is on the minus strand). VCF-style: chr14-87950667-C-T. GRCh37 (hg19) VCF-style: chr14-88417011-C-T.
Other names: c.1174G>A, p.Gly392Arg (NM_001201401.2); c.1165G>A, p.Gly389Arg (NM_001201402.2); c.1075G>A, p.Gly359Arg (NM_001424071.1, NM_001424072.1, NM_001424073.1); c.895G>A, p.Gly299Arg (NM_001424074.1, NM_001424075.1); c.610G>A, p.Gly204Arg (NM_001424076.1, NM_001424077.1); short protein forms G204R, G299R, G359R, G389R, G392R, G415R.
Identifiers: ClinVar variation 3384867 (VCV003384867.1).

ClinVar aggregate classification (germline): Likely pathogenic (1 of 4 stars; one submission).

Conditions:
Galactosylceramide beta-galactosidase deficiency. Also called: GALACTOCEREBROSIDASE DEFICIENCY; GALC DEFICIENCY; GLOBOID CELL LEUKOENCEPHALOPATHY; Krabbe Disease; Leukodystrophy, Globoid Cell. Identifiers: Orphanet 487, MedGen C0023521, MONDO:0009499, OMIM 245200.

Submission:

Women's Health and Genetics/Laboratory Corporation of America, LabCorp
Classification: Likely pathogenic for Galactosylceramide beta-galactosidase deficiency. Last evaluated: 2024-10-08. Review status: criteria provided, single submitter. Criteria: LabCorp Variant Classification Summary - May 2015. Collection method: clinical testing. Allele origin: germline.
Comment: Variant summary: GALC c.1243G>A (p.Gly415Arg), also reported as G399R, results in a non-conservative amino acid change located in the Glycosyl hydrolase family 59, central domain (IPR035394) of the encoded protein sequence. Five of five in-silico tools predict a damaging effect of the variant on protein function. The frequency data for this variant in gnomAD is considered unreliable, as metrics indicate poor data quality at this position. c.1243G>A has been reported in the literature in at least 1 individual testing positive for Krabbe Disease on newborn screening (example, Saavedra-Matiz_2016). These report(s) do not provide unequivocal conclusions about association of the variant with Krabbe Disease. At least one publication reports experimental evidence evaluating an impact on protein function. The most pronounced variant effect results in <10% of normal activity in vitro (example, Saavedra-Matiz_2016). The following publication has been ascertained in the context of this evaluation (PMID: 27638593). No submitters have cited clinical-significance assessments for this variant to ClinVar. Based on the evidence outlined above, the variant was classified as likely pathogenic.

Literature cited by the submitters: PubMed 27638593.